The following is an entry in ClinVar:

ClinVar aggregate classification (germline): Pathogenic (1 of 4 stars; one submission).

Conditions:
Seizures, benign familial infantile, 3 (BFIS3). Also called: CONVULSIONS, BENIGN FAMILIAL INFANTILE, 3; Familial neonatal seizures. Identifiers: Orphanet 140927, Orphanet 306, MedGen C1843140, MONDO:0011904, OMIM 607745.
Developmental and epileptic encephalopathy, 11 (DEE11). Also called: Early infantile epileptic encephalopathy 11. Identifiers: Orphanet 1934, MedGen C3150987, MONDO:0013388, OMIM 613721.

Submission:

Labcorp Genetics (formerly Invitae), Labcorp
Classification: Pathogenic for Seizures, benign familial infantile, 3; Developmental and epileptic encephalopathy, 11. Last evaluated: 2026-01-05. Review status: criteria provided, single submitter. Criteria: Invitae Variant Classification Sherloc (09022015). Collection method: clinical testing. Allele origin: germline.
Comment: This sequence change replaces phenylalanine, which is neutral and non-polar, with leucine, which is neutral and non-polar, at codon 374 of the SCN2A protein (p.Phe374Leu). This variant is not present in population databases (gnomAD no frequency). This missense change has been observed in individual(s) with clinical features of early infantile epileptic encephalopathy (internal data). In at least one individual the variant was observed to be de novo. ClinVar contains an entry for this variant (Variation ID: 937577). Invitae Evidence Modeling of protein sequence and biophysical properties (such as structural, functional, and spatial information, amino acid conservation, physicochemical variation, residue mobility, and thermodynamic stability) indicates that this missense variant is expected to disrupt SCN2A protein function with a positive predictive value of 95%. For these reasons, this variant has been classified as Pathogenic.

NM_001040142.2(SCN2A):c.1120T>C (p.Phe374Leu)

Gene: SCN2A (sodium voltage-gated channel alpha subunit 2; plus strand). Cytogenetic location: 2q24.3.
Variant type: single nucleotide variant.
Coding change: c.1120T>C on transcript NM_001040142.2 (MANE Select); coding-DNA position 1120, T replaced by C.
Protein change: p.Phe374Leu; replaces phenylalanine 374 with leucine.
Molecular consequence: missense variant.
Genome position (GRCh38, 1-based): chr2:165,313,705, T>C. VCF-style: chr2-165313705-T-C. GRCh37 (hg19) VCF-style: chr2-166170215-T-C.
Other names: c.1120T>C, p.Phe374Leu (NM_001040143.2, NM_001371246.1, NM_001371247.1 and 1 more transcripts); short protein forms F374L.
Identifiers: ClinVar variation 937577 (VCV000937577.10), dbSNP rs1697569337, ClinGen allele CA349020863.